The following is an entry in ClinVar:

ClinVar aggregate classification (germline): Uncertain significance (0 of 4 stars; one submission).

Conditions:
ACSL4-related disorder. Also called: ACSL4-related condition.

Allele frequency attached by ClinVar (database versions not stated): gnomAD exomes below 0.00001; TOPMed 0.00001.
gnomAD v4.1: 6 of 1,210,572 alleles (0.0005%); highest among the groups gnomAD compares: Non-Finnish European, 0.00056%; no homozygotes.

Submission:

PreventionGenetics, part of Exact Sciences
Classification: Uncertain significance for ACSL4-related condition. Last evaluated: 2023-10-27. Review status: no assertion criteria provided. Collection method: clinical testing. Allele origin: germline.
Comment: The ACSL4 c.243A>T variant is predicted to result in the amino acid substitution p.Lys81Asn. To our knowledge, this variant has not been reported in the literature. This variant is reported in 0.0012% of alleles in individuals of European (Non-Finnish) descent in gnomAD. At this time, the clinical significance of this variant is uncertain due to the absence of conclusive functional and genetic evidence.

NM_001318510.2(ACSL4):c.120A>T (p.Lys40Asn)

Gene: ACSL4 (acyl-CoA synthetase long chain family member 4; minus strand). Cytogenetic location: Xq23.
Variant type: single nucleotide variant.
Coding change: c.120A>T on transcript NM_001318510.2 (MANE Select); coding-DNA position 120, A replaced by T.
Protein change: p.Lys40Asn; replaces lysine 40 with asparagine.
Molecular consequence: missense variant.
Genome position (GRCh38, 1-based): chrX:109,683,244, T>A on the plus strand (A>T on the coding strand, the complement: ACSL4 is on the minus strand). VCF-style: chrX-109683244-T-A. GRCh37 (hg19) VCF-style: chrX-108926473-T-A.
Other names: c.243A>T, p.Lys81Asn (NM_001318509.2, NM_022977.3); c.120A>T, p.Lys40Asn (NM_004458.3); short protein forms K40N, K81N.
Identifiers: ClinVar variation 3029713 (VCV003029713.2), dbSNP rs1479216378, ClinGen allele CA414219096.